The following is an entry in ClinVar:

NM_000051.4(ATM):c.5347G>T (p.Glu1783Ter)

Gene: ATM (ATM serine/threonine kinase; plus strand). Cytogenetic location: 11q22.3.
Variant type: single nucleotide variant.
Coding change: c.5347G>T on transcript NM_000051.4 (MANE Select); coding-DNA position 5347, G replaced by T.
Protein change: p.Glu1783Ter; replaces glutamic acid 1783 with a stop codon.
Molecular consequence: nonsense.
Genome position (GRCh38, 1-based): chr11:108,302,880, G>T. VCF-style: chr11-108302880-G-T. GRCh37 (hg19) VCF-style: chr11-108173607-G-T.
Other names: c.5347G>T, p.Glu1783Ter (NM_001351834.2); short protein forms E1783*.
Identifiers: ClinVar variation 3148485 (VCV003148485.2), dbSNP rs2083498434, ClinGen allele CA382543202.

ClinVar aggregate classification (germline): Pathogenic. Review status: criteria provided, multiple submitters, no conflicts (2 of 4 stars). 2 submissions from 2 submitters: Pathogenic (2). Last evaluated 2024-08-29.

Conditions:
Familial cancer of breast. Also called: BREAST CANCER, FAMILIAL; Hereditary breast cancer; hereditary breast carcinoma. Identifiers: Orphanet 227535, MedGen C0346153, MONDO:0016419, OMIM 114480. Disease mechanism: loss of function.
Hereditary cancer-predisposing syndrome. Also called: Neoplastic Syndromes, Hereditary; Tumor predisposition; Hereditary neoplastic syndrome; Hereditary Cancer Syndrome. Identifiers: Orphanet 140162, MedGen C0027672, MeSH D009386, MONDO:0015356.

Submissions (2):

Ambry Genetics
Classification: Pathogenic for Hereditary cancer-predisposing syndrome. Last evaluated: 2024-08-29. Review status: criteria provided, single submitter. Criteria: Ambry Variant Classification Scheme 2023. Collection method: clinical testing. Allele origin: germline.
Comment: The p.E1783* pathogenic mutation (also known as c.5347G>T), located in coding exon 35 of the ATM gene, results from a G to T substitution at nucleotide position 5347. This changes the amino acid from a glutamic acid to a stop codon within coding exon 35. This variant is considered to be rare based on population cohorts in the Genome Aggregation Database (gnomAD). This alteration is expected to result in loss of function by premature protein truncation or nonsense-mediated mRNA decay. As such, this alteration is interpreted as a disease-causing mutation.

Myriad Genetics, Inc.
Classification: Pathogenic for Familial cancer of breast. Last evaluated: 2024-01-25. Review status: criteria provided, single submitter. Criteria: Myriad Autosomal Dominant, Autosomal Recessive and X-Linked Classification Criteria (2023). Collection method: clinical testing. Allele origin: unknown.
Comment: This variant is considered pathogenic. This variant creates a termination codon and is predicted to result in premature protein truncation.